The following is an entry in ClinVar:

NM_017617.5(NOTCH1):c.788G>T (p.Gly263Val)

Gene: NOTCH1 (notch receptor 1; minus strand). Cytogenetic location: 9q34.3.
Variant type: single nucleotide variant.
Coding change: c.788G>T on transcript NM_017617.5 (MANE Select); coding-DNA position 788, G replaced by T.
Protein change: p.Gly263Val; replaces glycine 263 with valine.
Molecular consequence: missense variant.
Genome position (GRCh38, 1-based): chr9:136,519,520, C>A on the plus strand (G>T on the coding strand, the complement: NOTCH1 is on the minus strand). VCF-style: chr9-136519520-C-A. GRCh37 (hg19) VCF-style: chr9-139413972-C-A.
Other names: short protein forms G263V.
Identifiers: ClinVar variation 2805090 (VCV002805090.3), dbSNP rs768903474, ClinGen allele CA375566571.

ClinVar aggregate classification (germline): Uncertain significance (1 of 4 stars; one submission).

Conditions:
Adams-Oliver syndrome 5 (AOS5). Identifiers: Orphanet 974, MedGen C4014970, MONDO:0014459, OMIM 616028.

Submission:

Labcorp Genetics (formerly Invitae), Labcorp
Classification: Uncertain significance for Adams-Oliver syndrome 5. Last evaluated: 2024-10-17. Review status: criteria provided, single submitter. Criteria: Invitae Variant Classification Sherloc (09022015). Collection method: clinical testing. Allele origin: germline.
Comment: This sequence change replaces glycine, which is neutral and non-polar, with valine, which is neutral and non-polar, at codon 263 of the NOTCH1 protein (p.Gly263Val). This variant is not present in population databases (gnomAD no frequency). This variant has not been reported in the literature in individuals affected with NOTCH1-related conditions. Invitae Evidence Modeling of protein sequence and biophysical properties (such as structural, functional, and spatial information, amino acid conservation, physicochemical variation, residue mobility, and thermodynamic stability) indicates that this missense variant is not expected to disrupt NOTCH1 protein function with a negative predictive value of 95%. In summary, the available evidence is currently insufficient to determine the role of this variant in disease. Therefore, it has been classified as a Variant of Uncertain Significance.